The following is an entry in ClinVar:

NM_176787.5(PIGN):c.108T>A (p.Phe36Leu)

Gene: PIGN (phosphatidylinositol glycan anchor biosynthesis class N; minus strand). Cytogenetic location: 18q21.33.
Variant type: single nucleotide variant.
Coding change: c.108T>A on transcript NM_176787.5 (MANE Select); coding-DNA position 108, T replaced by A.
Protein change: p.Phe36Leu; replaces phenylalanine 36 with leucine.
Molecular consequence: missense variant.
Genome position (GRCh38, 1-based): chr18:62,161,246, A>T on the plus strand (T>A on the coding strand, the complement: PIGN is on the minus strand). VCF-style: chr18-62161246-A-T. GRCh37 (hg19) VCF-style: chr18-59828479-A-T.
Other names: c.108T>A, p.Phe36Leu (NM_012327.6); short protein forms F36L.
Identifiers: ClinVar variation 1425531 (VCV001425531.5), dbSNP rs1460529773, ClinGen allele CA402604593.

ClinVar aggregate classification (germline): Uncertain significance (1 of 4 stars; one submission).

Conditions:
Multiple congenital anomalies-hypotonia-seizures syndrome 1 (MCAHS1). Also called: PIGN-CDG; Congenital disorder of glycosylation due to PIGN deficiency; GLYCOSYLPHOSPHATIDYLINOSITOL BIOSYNTHESIS DEFECT 3. Identifiers: Orphanet 280633, MedGen C3279775, MONDO:0013563, OMIM 614080.

Allele frequency attached by ClinVar (database versions not stated): gnomAD exomes below 0.00001; TOPMed 0.00002.
gnomAD v4.1: 1 of 1,613,804 alleles (0.000062%); highest among the groups gnomAD compares: Non-Finnish European, 0.000085%; no homozygotes.

Submission:

Labcorp Genetics (formerly Invitae), Labcorp
Classification: Uncertain significance for Multiple congenital anomalies-hypotonia-seizures syndrome 1. Last evaluated: 2025-08-15. Review status: criteria provided, single submitter. Criteria: Invitae Variant Classification Sherloc (09022015). Collection method: clinical testing. Allele origin: germline.
Comment: This sequence change replaces phenylalanine, which is neutral and non-polar, with leucine, which is neutral and non-polar, at codon 36 of the PIGN protein (p.Phe36Leu). This variant is not present in population databases (gnomAD no frequency). This variant has not been reported in the literature in individuals affected with PIGN-related conditions. ClinVar contains an entry for this variant (Variation ID: 1425531). Invitae Evidence Modeling of protein sequence and biophysical properties (such as structural, functional, and spatial information, amino acid conservation, physicochemical variation, residue mobility, and thermodynamic stability) indicates that this missense variant is not expected to disrupt PIGN protein function with a negative predictive value of 80%. In summary, the available evidence is currently insufficient to determine the role of this variant in disease. Therefore, it has been classified as a Variant of Uncertain Significance.